The following is an entry in ClinVar:

NM_013336.4(SEC61A1):c.289G>A (p.Ala97Thr)

Gene: SEC61A1 (SEC61 translocon subunit alpha 1; plus strand). Cytogenetic location: 3q21.3.
Variant type: single nucleotide variant.
Coding change: c.289G>A on transcript NM_013336.4 (MANE Select); coding-DNA position 289, G replaced by A.
Protein change: p.Ala97Thr; replaces alanine 97 with threonine.
Molecular consequence: missense variant.
Genome position (GRCh38, 1-based): chr3:128,056,777, G>A. VCF-style: chr3-128056777-G-A. GRCh37 (hg19) VCF-style: chr3-127775620-G-A.
Other names: c.307G>A, p.Ala103Thr (NM_001400328.1); c.130G>A, p.Ala44Thr (NM_001400329.1); short protein forms A44T, A103T, A97T.
Identifiers: ClinVar variation 2110271 (VCV002110271.4), dbSNP rs1941778294, ClinGen allele CA354391707.

ClinVar aggregate classification (germline): Uncertain significance (1 of 4 stars; one submission).

Allele frequency attached by ClinVar (database versions not stated): gnomAD exomes 0.00001.
gnomAD v4.1: 8 of 1,610,474 alleles (0.0005%); highest among the groups gnomAD compares: South Asian, 0.0011%; no homozygotes.

Submission:

Labcorp Genetics (formerly Invitae), Labcorp
Classification: Uncertain significance. Last evaluated: 2023-10-13. Review status: criteria provided, single submitter. Criteria: Invitae Variant Classification Sherloc (09022015). Collection method: clinical testing. Allele origin: germline.
Comment: This sequence change replaces alanine, which is neutral and non-polar, with threonine, which is neutral and polar, at codon 97 of the SEC61A1 protein (p.Ala97Thr). This variant is not present in population databases (gnomAD no frequency). This variant has not been reported in the literature in individuals affected with SEC61A1-related conditions. ClinVar contains an entry for this variant (Variation ID: 2110271). Advanced modeling of protein sequence and biophysical properties (such as structural, functional, and spatial information, amino acid conservation, physicochemical variation, residue mobility, and thermodynamic stability) performed at Invitae indicates that this missense variant is not expected to disrupt SEC61A1 protein function. In summary, the available evidence is currently insufficient to determine the role of this variant in disease. Therefore, it has been classified as a Variant of Uncertain Significance.